The following is an entry in ClinVar:

ClinVar aggregate classification (germline): Uncertain significance (1 of 4 stars; one submission).

Conditions:
DLL1-related disorder. Also called: DLL1-related condition.

Submission:

PreventionGenetics, part of Exact Sciences
Classification: Uncertain significance for DLL1-related condition. Last evaluated: 2023-05-10. Review status: criteria provided, single submitter. Criteria: ACMG Guidelines, 2015. Collection method: clinical testing. Allele origin: germline.
Comment: The DLL1 c.782C>T variant is predicted to result in the amino acid substitution p.Pro261Leu. To our knowledge, this variant has not been reported in the literature or in a large population database, indicating this variant is rare. At this time, the clinical significance of this variant is uncertain due to the absence of conclusive functional and genetic evidence.

NM_005618.4(DLL1):c.782C>T (p.Pro261Leu)

Gene: DLL1 (delta like canonical Notch ligand 1; minus strand). Cytogenetic location: 6q27.
Variant type: single nucleotide variant.
Coding change: c.782C>T on transcript NM_005618.4 (MANE Select); coding-DNA position 782, C replaced by T.
Protein change: p.Pro261Leu; replaces proline 261 with leucine.
Molecular consequence: missense variant.
Genome position (GRCh38, 1-based): chr6:170,285,649, G>A on the plus strand (C>T on the coding strand, the complement: DLL1 is on the minus strand). VCF-style: chr6-170285649-G-A. GRCh37 (hg19) VCF-style: chr6-170594737-G-A.
Other names: short protein forms P261L.
Identifiers: ClinVar variation 2633012 (VCV002633012.1), dbSNP rs2483352558, ClinGen allele CA366508765.